The following is an entry in ClinVar:

ClinVar aggregate classification (germline): Uncertain significance. Review status: criteria provided, multiple submitters, no conflicts (2 of 4 stars). 4 submissions from 4 submitters: Uncertain significance (3). 1 of the submissions does not count toward it. Last evaluated 2026-06-10.

Conditions:
Inborn genetic diseases. Identifiers: MedGen C0950123, MeSH D030342.
Polyglandular autoimmune syndrome, type 1 (APS1). Also called: AUTOIMMUNE POLYENDOCRINE SYNDROME, TYPE I, WITH OR WITHOUT REVERSIBLE METAPHYSEAL DYSPLASIA; PGA I; Autoimmune polyendocrinopathy syndrome, type I; Autoimmune polyendocrinopathy syndrome , type I, with or without reversible metaphyseal dysplasia; Whitaker syndrome; Autoimmune polyendocrine syndrome type 1. Identifiers: Orphanet 3453, MedGen C0085859, MONDO:0009411, OMIM 240300.

Allele frequency attached by ClinVar (database versions not stated): ExAC 0.00001; gnomAD 0.00001; TOPMed 0.00004.
gnomAD v4.1: 6 of 1,612,526 alleles (0.00037%); highest among the groups gnomAD compares: Admixed American, 0.005%; no homozygotes.

Submissions (4):

Ambry Genetics
Classification: Uncertain significance for Inborn genetic diseases. Last evaluated: 2026-06-10. Review status: criteria provided, single submitter. Criteria: Ambry Variant Classification Scheme 2023. Collection method: clinical testing. Allele origin: germline.
Comment: The c.353T>A (p.V118D) alteration is located in exon 3 (coding exon 3) of the AIRE gene. This alteration results from a T to A substitution at nucleotide position 353, causing the valine (V) at amino acid position 118 to be replaced by an aspartic acid (D). Based on data from gnomAD, the A allele has an overall frequency of <0.001% (1/246580) total alleles studied. The highest observed frequency was 0.003% (1/34522) of Latino alleles. Based on insufficient or conflicting evidence, the clinical significance of this alteration remains unclear.

Labcorp Genetics (formerly Invitae), Labcorp
Classification: Uncertain significance for Polyglandular autoimmune syndrome, type 1. Last evaluated: 2026-01-27. Review status: criteria provided, single submitter. Criteria: Invitae Variant Classification Sherloc (09022015). Collection method: clinical testing. Allele origin: germline.
Comment: This sequence change replaces valine, which is neutral and non-polar, with aspartic acid, which is acidic and polar, at codon 118 of the AIRE protein (p.Val118Asp). This variant is present in population databases (rs772511282, gnomAD 0.003%). This variant has not been reported in the literature in individuals affected with AIRE-related conditions. ClinVar contains an entry for this variant (Variation ID: 645210). Invitae Evidence Modeling of protein sequence and biophysical properties (such as structural, functional, and spatial information, amino acid conservation, physicochemical variation, residue mobility, and thermodynamic stability) indicates that this missense variant is not expected to disrupt AIRE protein function with a negative predictive value of 95%. In summary, the available evidence is currently insufficient to determine the role of this variant in disease. Therefore, it has been classified as a Variant of Uncertain Significance.

Laboratorio de Genetica e Diagnostico Molecular, Hospital Israelita Albert Einstein
Classification: Uncertain significance for Polyglandular autoimmune syndrome, type 1. Last evaluated: 2024-08-27. Review status: criteria provided, single submitter. Criteria: ACMG Guidelines, 2015. Collection method: clinical testing. Allele origin: germline. Affected: yes.
Comment: ACMG classification criteria: PM2 supporting, BP4 supporting

Natera, Inc.
Classification: Uncertain significance for Polyglandular autoimmune syndrome type 1. Last evaluated: 2021-04-20. Review status: no assertion criteria provided. Collection method: clinical testing. Allele origin: germline. Not counted in ClinVar's aggregate classification.

NM_000383.4(AIRE):c.353T>A (p.Val118Asp)

Gene: AIRE (autoimmune regulator; plus strand). Cytogenetic location: 21q22.3.
Variant type: single nucleotide variant.
Coding change: c.353T>A on transcript NM_000383.4 (MANE Select); coding-DNA position 353, T replaced by A.
Protein change: p.Val118Asp; replaces valine 118 with aspartic acid.
Molecular consequence: missense variant.
Genome position (GRCh38, 1-based): chr21:44,287,023, T>A. VCF-style: chr21-44287023-T-A. GRCh37 (hg19) VCF-style: chr21-45706906-T-A.
Other names: c.353T>A (NM_000383.2); short protein forms V118D.
Identifiers: ClinVar variation 645210 (VCV000645210.13), dbSNP rs772511282, ClinGen allele CA10051541.